The following is an entry in ClinVar:

ClinVar aggregate classification (germline): Pathogenic (0 of 4 stars; one submission).

Conditions:
Leber congenital amaurosis (LCA). Also called: Leber's amaurosis. Identifiers: Orphanet 65, MedGen C0339527, MeSH D057130, MONDO:0018998.

Submission:

Rui Chen Lab, Baylor College of Medicine
Classification: Pathogenic for Leber congenital amaurosis. Last evaluated: 2017-05-09. Review status: no assertion criteria provided. Collection method: research. Allele origin: germline. Affected: yes.
Comment: An in vitrominigene system was used to confirm that the variant disrupts splicing

NM_018418.5(SPATA7):c.19G>A (p.Val7Ile)

Genes: SPATA7 (spermatogenesis associated 7; plus strand), LOC130056226 (ATAC-STARR-seq lymphoblastoid active region 8840; plus strand). Cytogenetic location: 14q31.3.
Variant type: single nucleotide variant.
Coding change: c.19G>A on transcript NM_018418.5 (MANE Select); coding-DNA position 19, G replaced by A.
Protein change: p.Val7Ile; replaces valine 7 with isoleucine.
Molecular consequence: missense variant.
Genome position (GRCh38, 1-based): chr14:88,385,837, G>A. VCF-style: chr14-88385837-G-A. GRCh37 (hg19) VCF-style: chr14-88852181-G-A.
Other names: c.19G>A, p.Val7Ile (NM_001040428.4); short protein forms V7I.
Identifiers: ClinVar variation 427873 (VCV000427873.2), dbSNP rs371609982, ClinGen allele CA501037.